The following is an entry in ClinVar:

ClinVar aggregate classification (germline): Uncertain significance. Review status: criteria provided, multiple submitters, no conflicts (2 of 4 stars). 3 submissions from 2 submitters: Uncertain significance (3). Last evaluated 2022-07-09.

Conditions:
Inborn genetic diseases. Identifiers: MedGen C0950123, MeSH D030342.
Ocular cystinosis. Also called: Non-Nephropathic (Ocular) Cystinosis; Non-Nephropathic Cystinosis. Identifiers: Orphanet 213, Orphanet 411641, MedGen C2931013, MONDO:0009064, OMIM 219750.
Juvenile nephropathic cystinosis. Also called: Later-Onset (Juvenile) Cystinosis; Intermediate Cystinosis; CYSTINOSIS, LATE-ONSET JUVENILE OR ADOLESCENT NEPHROPATHIC TYPE. Identifiers: Orphanet 213, Orphanet 411634, MedGen C0268626, MONDO:0009066, OMIM 219900.
Nephropathic cystinosis (CTNS). Also called: CYSTINOSIN, DEFECT OF; LYSOSOMAL CYSTINE TRANSPORT PROTEIN, DEFECT OF; Abderhalden Lignac Kaufmann disease; Abderhalden-Kaufmann-Lignac syndrome. Identifiers: Orphanet 213, Orphanet 411629, MedGen C2931187, MONDO:0100151, OMIM 219800.

Allele frequency attached by ClinVar (database versions not stated): ExAC 0.00001; gnomAD 0.00001; TOPMed 0.00001; gnomAD exomes 0.00002.
gnomAD v4.1: 19 of 1,614,164 alleles (0.0012%); highest among the groups gnomAD compares: Non-Finnish European, 0.00017%; no homozygotes.

Submissions (3):

Labcorp Genetics (formerly Invitae), Labcorp
Classification: Uncertain significance for Inborn genetic diseases; Ocular cystinosis; Juvenile nephropathic cystinosis. Last evaluated: 2022-07-09. Review status: criteria provided, single submitter. Criteria: Invitae Variant Classification Sherloc (09022015). Collection method: clinical testing. Allele origin: germline.
Comment: This sequence change replaces phenylalanine, which is neutral and non-polar, with leucine, which is neutral and non-polar, at codon 336 of the CTNS protein (p.Phe336Leu). This variant is present in population databases (rs762561354, gnomAD 0.05%). This variant has not been reported in the literature in individuals affected with CTNS-related conditions. ClinVar contains an entry for this variant (Variation ID: 322845). Algorithms developed to predict the effect of missense changes on protein structure and function are either unavailable or do not agree on the potential impact of this missense change (SIFT: "Tolerated"; PolyPhen-2: "Possibly Damaging"; Align-GVGD: "Class C0"). In summary, the available evidence is currently insufficient to determine the role of this variant in disease. Therefore, it has been classified as a Variant of Uncertain Significance.

Illumina Laboratory Services, Illumina
Classification: Uncertain significance for Nephropathic cystinosis. Last evaluated: 2018-01-13. Review status: criteria provided, single submitter. Criteria: ICSL Variant Classification Criteria 13 December 2019. Collection method: clinical testing. Allele origin: germline.

Illumina Laboratory Services, Illumina
Classification: Uncertain significance for Ocular cystinosis. Last evaluated: 2018-01-13. Review status: criteria provided, single submitter. Criteria: ICSL Variant Classification Criteria 13 December 2019. Collection method: clinical testing. Allele origin: germline.

NM_004937.3(CTNS):c.1008T>G (p.Phe336Leu)

Gene: CTNS (cystinosin, lysosomal cystine transporter; plus strand). Cytogenetic location: 17p13.2.
Variant type: single nucleotide variant.
Coding change: c.1008T>G on transcript NM_004937.3 (MANE Select); coding-DNA position 1008, T replaced by G.
Protein change: p.Phe336Leu; replaces phenylalanine 336 with leucine.
Molecular consequence: missense variant.
Genome position (GRCh38, 1-based): chr17:3,660,273, T>G. VCF-style: chr17-3660273-T-G. GRCh37 (hg19) VCF-style: chr17-3563567-T-G.
Other names: c.1008T>G, p.Phe336Leu (NM_001031681.3, NM_001374492.1); c.567T>G, p.Phe189Leu (NM_001374493.1, NM_001374494.1, NM_001374495.1 and 1 more transcripts); short protein forms F336L, F189L.
Identifiers: ClinVar variation 322845 (VCV000322845.6), dbSNP rs762561354, ClinGen allele CA8292008.